The following is an entry in ClinVar:

NM_000081.4(LYST):c.7159C>T (p.Arg2387Ter)

Gene: LYST (lysosomal trafficking regulator; minus strand). Cytogenetic location: 1q42.3.
Variant type: single nucleotide variant.
Coding change: c.7159C>T on transcript NM_000081.4 (MANE Select); coding-DNA position 7159, C replaced by T.
Protein change: p.Arg2387Ter; replaces arginine 2387 with a stop codon.
Molecular consequence: nonsense.
Genome position (GRCh38, 1-based): chr1:235,755,548, G>A on the plus strand (C>T on the coding strand, the complement: LYST is on the minus strand). VCF-style: chr1-235755548-G-A. GRCh37 (hg19) VCF-style: chr1-235918848-G-A.
Other names: c.7159C>T, p.Arg2387Ter (NM_001301365.1); short protein forms R2387*.
Identifiers: ClinVar variation 546376 (VCV000546376.2), dbSNP rs1553283111, ClinGen allele CA344934609.

ClinVar aggregate classification (germline): Likely pathogenic (1 of 4 stars; one submission).

Allele frequency attached by ClinVar (database versions not stated): gnomAD exomes below 0.00001.
gnomAD v4.1: 1 of 1,613,230 alleles (0.000062%); highest among the groups gnomAD compares: Non-Finnish European, 0.000085%; no homozygotes.

Submission:

GeneDx
Classification: Likely pathogenic. Last evaluated: 2018-05-29. Review status: criteria provided, single submitter. Criteria: GeneDx Variant Classification (06012015). Collection method: clinical testing. Allele origin: germline. Affected: yes.
Comment: The R2387X variant in the LYST gene has not been reported previously as a pathogenic variant nor as a benign variant, to our knowledge. This variant is predicted to cause loss of normal protein function either through protein truncation or nonsense-mediated mRNA decay. The R2387X variant is not observed in large population cohorts (Lek et al., 2016). We interpret R2387X as a likely pathogenic variant.